The following is an entry in ClinVar:

NM_177438.3(DICER1):c.5131A>C (p.Ile1711Leu)

Gene: DICER1 (dicer 1, ribonuclease III; minus strand). Cytogenetic location: 14q32.13.
Variant type: single nucleotide variant.
Coding change: c.5131A>C on transcript NM_177438.3 (MANE Select); coding-DNA position 5131, A replaced by C.
Protein change: p.Ile1711Leu; replaces isoleucine 1711 with leucine.
Molecular consequence: missense variant. On other transcripts: non-coding transcript variant (6).
Genome position (GRCh38, 1-based): chr14:95,094,121, T>G on the plus strand (A>C on the coding strand, the complement: DICER1 is on the minus strand). VCF-style: chr14-95094121-T-G. GRCh37 (hg19) VCF-style: chr14-95560458-T-G.
Other names: c.5131A>C, p.Ile1711Leu (NM_001195573.1, NM_001271282.3, NM_001291628.2 and 8 more transcripts); c.4849A>C, p.Ile1617Leu (NM_001395686.1); c.4726A>C, p.Ile1576Leu (NM_001395687.1, NM_001395688.1, NM_001395689.1 and 1 more transcripts); c.4564A>C, p.Ile1522Leu (NM_001395691.1); c.3448A>C, p.Ile1150Leu (NM_001395697.1); short protein forms I1150L, I1576L, I1617L, I1711L, I1522L.
Identifiers: ClinVar variation 4637580 (VCV004637580.1).

ClinVar aggregate classification (germline): Uncertain significance (1 of 4 stars; one submission).

Conditions:
Hereditary cancer-predisposing syndrome. Also called: Neoplastic Syndromes, Hereditary; Tumor predisposition; Hereditary Cancer Syndrome; Hereditary neoplastic syndrome. Identifiers: Orphanet 140162, MedGen C0027672, MeSH D009386, MONDO:0015356.

Submission:

Ambry Genetics
Classification: Uncertain significance for Hereditary cancer-predisposing syndrome. Last evaluated: 2025-11-12. Review status: criteria provided, single submitter. Criteria: Ambry Variant Classification Scheme 2023. Collection method: clinical testing. Allele origin: germline.
Comment: The p.I1711L variant (also known as c.5131A>C), located in coding exon 23 of the DICER1 gene, results from an A to C substitution at nucleotide position 5131. The isoleucine at codon 1711 is replaced by leucine, an amino acid with highly similar properties. This amino acid position is conserved. In addition, the in silico prediction for this alteration is inconclusive. Based on the available evidence, the clinical significance of this variant remains unclear.